The following is an entry in ClinVar:

NM_001318852.2(MAPK8IP3):c.598C>T (p.Arg200Trp)

Gene: MAPK8IP3 (mitogen-activated protein kinase 8 interacting protein 3; plus strand). Cytogenetic location: 16p13.3.
Variant type: single nucleotide variant.
Coding change: c.598C>T on transcript NM_001318852.2 (MANE Select); coding-DNA position 598, C replaced by T.
Protein change: p.Arg200Trp; replaces arginine 200 with tryptophan.
Molecular consequence: missense variant.
Genome position (GRCh38, 1-based): chr16:1,729,574, C>T. VCF-style: chr16-1729574-C-T. GRCh37 (hg19) VCF-style: chr16-1779575-C-T.
Other names: c.598C>T, p.Arg200Trp (NM_001040439.2, NM_015133.5); short protein forms R200W.
Identifiers: ClinVar variation 5040975 (VCV005040975.1).
Genomic context (GRCh38, chr16:1,729,574, plus strand): 5'-GAGAGGTCCAAGATGCAGCAGGTCGGAGGAAACAGCCAGACCGAGAGCAGCCTGCCGGGG[C>T]GGAGGTACGCGGGGCGCGGCGGGGTGGAGGTACGCGGGGCGCGGCGGGGCGGAGGTACGC-3'
Protein context (NP_001305781.1, residues 190-210): NSQTESSLPG[Arg200Trp]SRKERPTSLN

ClinVar aggregate classification (germline): Likely benign (1 of 4 stars; one submission).

Submission:

CeGaT Center for Human Genetics Tuebingen
Classification: Likely benign. Last evaluated: 2026-09-01. Review status: criteria provided, single submitter. Criteria: CeGaT Center For Human Genetics Tuebingen Variant Classification Criteria Version 2. Collection method: clinical testing. Allele origin: germline. Affected: yes. Observed: 1 variant allele.
Comment: MAPK8IP3: BP4, BS2